The following is an entry in ClinVar:

ClinVar aggregate classification (germline): Conflicting classifications of pathogenicity. Review status: criteria provided, conflicting classifications (1 of 4 stars). 2 submissions from 2 submitters: Likely pathogenic (1); Uncertain significance (1). Last evaluated 2023-06-27.

Conditions:
Developmental and epileptic encephalopathy 92. Also called: EPILEPTIC ENCEPHALOPATHY, INFANTILE OR EARLY CHILDHOOD, 2. Identifiers: MedGen C4693362, MONDO:0020631, OMIM 617829.

Submissions (3):

GeneDx
Classification: Likely pathogenic. Last evaluated: 2023-06-27. Review status: criteria provided, single submitter. Criteria: GeneDx Variant Classification Process June 2021. Collection method: clinical testing. Allele origin: germline. Affected: yes.
Comment: In silico analysis supports that this missense variant has a deleterious effect on protein structure/function; Not observed at significant frequency in large population cohorts (gnomAD); This variant is associated with the following publications: (PMID: 33325057)

Centre for Mendelian Genomics, University Medical Centre Ljubljana
Classification: Uncertain significance for Developmental and epileptic encephalopathy 92. Last evaluated: 2019-11-14. Review status: criteria provided, single submitter. Criteria: ACMG Guidelines, 2015. Collection method: clinical testing. Allele origin: unknown. Affected: yes.
Comment: This variant was classified as: Uncertain significance. The available evidence favors the pathogenic nature of this variant, however the currently available data is insufficient to conclusively support its pathogenic nature. Thus this variant is classified as Uncertain significance - favor pathogenic. The following ACMG criteria were applied in classifying this variant: PM2,PP2,PP3.

Ahring/Collins Lab, The University of Sydney
No classification provided (evidence only). Review status: no classification provided. Collection method: in vitro. Allele origin: not applicable. Functional consequence: loss of function. Not counted in ClinVar's aggregate classification.

NM_001371727.1(GABRB2):c.475G>T (p.Ala159Ser)

Gene: GABRB2 (gamma-aminobutyric acid type A receptor subunit beta2; minus strand). Cytogenetic location: 5q34.
Variant type: single nucleotide variant.
Coding change: c.475G>T on transcript NM_001371727.1 (MANE Select); coding-DNA position 475, G replaced by T.
Protein change: p.Ala159Ser; replaces alanine 159 with serine.
Molecular consequence: missense variant.
Genome position (GRCh38, 1-based): chr5:161,411,041, C>A on the plus strand (G>T on the coding strand, the complement: GABRB2 is on the minus strand). VCF-style: chr5-161411041-C-A. GRCh37 (hg19) VCF-style: chr5-160838047-C-A.
Other names: c.475G>T, p.Ala159Ser (NM_000813.3, NM_021911.3); short protein forms A159S.
Identifiers: ClinVar variation 930595 (VCV000930595.5), dbSNP rs1756503149, ClinGen allele CA362172261.